The following is an entry in ClinVar:

NM_001194998.2(CEP152):c.1322G>A (p.Gly441Glu)

Gene: CEP152 (centrosomal protein 152; minus strand). Cytogenetic location: 15q21.1.
Variant type: single nucleotide variant.
Coding change: c.1322G>A on transcript NM_001194998.2 (MANE Select); coding-DNA position 1322, G replaced by A.
Protein change: p.Gly441Glu; replaces glycine 441 with glutamic acid.
Molecular consequence: missense variant.
Genome position (GRCh38, 1-based): chr15:48,782,230, C>T on the plus strand (G>A on the coding strand, the complement: CEP152 is on the minus strand). VCF-style: chr15-48782230-C-T. GRCh37 (hg19) VCF-style: chr15-49074427-C-T.
Other names: c.1322G>A, p.Gly441Glu (NM_014985.4); short protein forms G441E.
Identifiers: ClinVar variation 1985130 (VCV001985130.1), dbSNP rs1896300535, ClinGen allele CA392354227.

ClinVar aggregate classification (germline): Uncertain significance (1 of 4 stars; one submission).

Allele frequency attached by ClinVar (database versions not stated): gnomAD exomes below 0.00001; TOPMed 0.00001.
gnomAD v4.1: 5 of 1,613,486 alleles (0.00031%); highest among the groups gnomAD compares: Admixed American, 0.005%; no homozygotes.

Submission:

Labcorp Genetics (formerly Invitae), Labcorp
Classification: Uncertain significance. Last evaluated: 2022-07-03. Review status: criteria provided, single submitter. Criteria: Invitae Variant Classification Sherloc (09022015). Collection method: clinical testing. Allele origin: germline.
Comment: This sequence change replaces glycine, which is neutral and non-polar, with glutamic acid, which is acidic and polar, at codon 441 of the CEP152 protein (p.Gly441Glu). This variant is not present in population databases (gnomAD no frequency). This variant has not been reported in the literature in individuals affected with CEP152-related conditions. Algorithms developed to predict the effect of missense changes on protein structure and function are either unavailable or do not agree on the potential impact of this missense change (SIFT: "Deleterious"; PolyPhen-2: "Probably Damaging"; Align-GVGD: "Class C15"). In summary, the available evidence is currently insufficient to determine the role of this variant in disease. Therefore, it has been classified as a Variant of Uncertain Significance.